The following is an entry in ClinVar:

NM_016642.4(SPTBN5):c.1665G>A (p.Pro555=)

Gene: SPTBN5 (spectrin beta, non-erythrocytic 5; minus strand). Cytogenetic location: 15q15.1.
Variant type: single nucleotide variant.
Coding change: c.1665G>A on transcript NM_016642.4 (MANE Select); coding-DNA position 1665, G replaced by A.
Protein change: p.Pro555=; no amino-acid change (proline 555 retained).
Molecular consequence: synonymous variant.
Genome position (GRCh38, 1-based): chr15:41,883,223, C>T on the plus strand (G>A on the coding strand, the complement: SPTBN5 is on the minus strand). VCF-style: chr15-41883223-C-T. GRCh37 (hg19) VCF-style: chr15-42175421-C-T.
Identifiers: ClinVar variation 2645230 (VCV002645230.24), dbSNP rs148297597, ClinGen allele CA7504108.

ClinVar aggregate classification (germline): Benign (1 of 4 stars; one submission).

Allele frequency attached by ClinVar (database versions not stated): ExAC 0.00050; ESP Exome Variant Server 0.00194; gnomAD 0.00210; TOPMed 0.00231; 1000 Genomes Project 0.00240; 1000 Genomes Project 30x 0.00297.
gnomAD v4.1: 637 of 1,609,174 alleles (0.04%); highest among the groups gnomAD compares: African/African-American, 0.71%; 3 homozygotes.

Submission:

CeGaT Center for Human Genetics Tuebingen
Classification: Benign. Last evaluated: 2022-07-01. Review status: criteria provided, single submitter. Criteria: CeGaT Center For Human Genetics Tuebingen Variant Classification Criteria Version 2. Collection method: clinical testing. Allele origin: germline. Affected: yes. Observed: 1 variant allele.
Comment: SPTBN5: BS1, BS2